The following is an entry in ClinVar:

NM_005676.5(RBM10):c.223G>A (p.Gly75Ser)

Gene: RBM10 (RNA binding motif protein 10; plus strand). Cytogenetic location: Xp11.3.
Variant type: single nucleotide variant.
Coding change: c.223G>A on transcript NM_005676.5 (MANE Select); coding-DNA position 223, G replaced by A.
Protein change: p.Gly75Ser; replaces glycine 75 with serine.
Molecular consequence: missense variant. On other transcripts: intron variant (2).
Genome position (GRCh38, 1-based): chrX:47,171,049, G>A. VCF-style: chrX-47171049-G-A. GRCh37 (hg19) VCF-style: chrX-47030448-G-A.
Other names: c.223G>A, p.Gly75Ser (NM_001204467.2); c.418G>A, p.Gly140Ser (NM_001204468.2); c.201+1551G>A (NM_001204466.2, NM_152856.3); short protein forms G140S, G75S.
Identifiers: ClinVar variation 3684355 (VCV003684355.2).

ClinVar aggregate classification (germline): Uncertain significance (1 of 4 stars; one submission).

gnomAD v4.1: 3 of 1,211,318 alleles (0.00025%); highest among the groups gnomAD compares: South Asian, 0.0053%; no homozygotes.

Submission:

Labcorp Genetics (formerly Invitae), Labcorp
Classification: Uncertain significance. Last evaluated: 2024-11-19. Review status: criteria provided, single submitter. Criteria: Invitae Variant Classification Sherloc (09022015). Collection method: clinical testing. Allele origin: germline.
Comment: This sequence change replaces glycine, which is neutral and non-polar, with serine, which is neutral and polar, at codon 75 of the RBM10 protein (p.Gly75Ser). This variant is not present in population databases (gnomAD no frequency). This variant has not been reported in the literature in individuals affected with RBM10-related conditions. An algorithm developed to predict the effect of missense changes on protein structure and function (PolyPhen-2) suggests that this variant is likely to be tolerated. In summary, the available evidence is currently insufficient to determine the role of this variant in disease. Therefore, it has been classified as a Variant of Uncertain Significance.